The following is an entry in ClinVar:

ClinVar aggregate classification (germline): Benign. Review status: criteria provided, multiple submitters, no conflicts (2 of 4 stars). 7 submissions from 7 submitters: Benign (6). 1 of the submissions does not count toward it. Last evaluated 2026-02-04.

Conditions:
Trimethylaminuria (TMAU). Also called: FISH-ODOR SYNDROME; Primary Trimethylaminuria; Fish malodor syndrome; Stale fish syndrome; TMAuria. Identifiers: MedGen C0342739, MONDO:0011182, OMIM 602079, HP:0003614. Disease mechanism: loss of function.

Allele frequency attached by ClinVar (database versions not stated): gnomAD 0.06174 and 0.06550; TOPMed 0.06585; ExAC 0.08052; gnomAD exomes 0.08155; 1000 Genomes Project 30x 0.09213; 1000 Genomes Project 0.09764.

Submissions (7):

Labcorp Genetics (formerly Invitae), Labcorp
Classification: Benign. Last evaluated: 2026-02-04. Review status: criteria provided, single submitter. Criteria: Invitae Variant Classification Sherloc (09022015). Collection method: clinical testing. Allele origin: germline.

Department of Pathology and Laboratory Medicine, Sinai Health System
Classification: Benign for Trimethylaminuria. Last evaluated: 2023-04-18. Review status: criteria provided, single submitter. Criteria: ACMG Guidelines, 2015. Collection method: research. Allele origin: germline.

Women's Health and Genetics/Laboratory Corporation of America, LabCorp
Classification: Benign. Last evaluated: 2023-02-08. Review status: criteria provided, single submitter. Criteria: LabCorp Variant Classification Summary - May 2015. Collection method: clinical testing. Allele origin: germline.
Comment: Variant summary: FMO3 c.769G>A (p.Val257Met) results in a conservative amino acid change in the encoded protein sequence. Five of five in-silico tools predict a benign effect of the variant on protein function. The variant allele was found at a frequency of 0.082 in 251052 control chromosomes in the gnomAD database, including 1103 homozygotes. The observed variant frequency is approximately 14.59 fold of the estimated maximal expected allele frequency for a pathogenic variant in FMO3 causing Trimethylaminuria phenotype (0.0056), which is stand-alone evidence that the variant is benign. At least one publication reports experimental evidence evaluating an impact on protein function. These results showed the variant had no effect on enzyme activity (Stormer_2000). Two clinical diagnostic laboratories have submitted clinical-significance assessments for this variant to ClinVar after 2014 without evidence for independent evaluation. One laboratory classified the variant as pathogenic (OMIM), and one laboratory classified the variant as benign. Based on the evidence outlined above, the variant was classified as benign.

Illumina Laboratory Services, Illumina
Classification: Benign for Trimethylaminuria. Last evaluated: 2018-03-06. Review status: criteria provided, single submitter. Criteria: ICSL Variant Classification Criteria 13 December 2019. Collection method: clinical testing. Allele origin: germline.
Comment: This variant was observed in the ICSL laboratory as part of a predisposition screen in an ostensibly healthy population. It had not been previously curated by ICSL or reported in the Human Gene Mutation Database (HGMD: prior to June 1st, 2018), and was therefore a candidate for classification through an automated scoring system. Utilizing variant allele frequency, disease prevalence and penetrance estimates, and inheritance mode, an automated score was calculated to assess if this variant is too frequent to cause the disease. Based on the score and internal cut-off values, a variant classified as benign is not then subjected to further curation. The score for this variant resulted in a classification of benign for this disease.

Breakthrough Genomics
Classification: Benign. Review status: criteria provided, single submitter. Criteria: ACMG Guidelines, 2015. Collection method: not provided. Allele origin: germline. Inheritance: Autosomal recessive inheritance. Affected: yes.

PreventionGenetics, part of Exact Sciences
Classification: Benign. Review status: criteria provided, single submitter. Criteria: ACMG Guidelines, 2015. Collection method: clinical testing. Allele origin: germline.

OMIM
Classification: Pathogenic for TRIMETHYLAMINURIA. Last evaluated: 2017-03-26. Review status: no assertion criteria provided. Collection method: literature only. Allele origin: germline. Not counted in ClinVar's aggregate classification.

Literature cited by the submitters: PubMed 11136294 (cited by Women's Health and Genetics/Laboratory Corporation of America, LabCorp); Akerman, B. R., Chow, L., Forrest, S., Youil, R., Cashman, J., Treacy, E. P. Mutations in the flavin-containing monoxygenase (sic) form 3 (FMO3) gene cause trimethylaminuria, fish odour syndrome. (Abstract) Am. J. Hum. Genet. 61 (suppl.): A53-only, 1997. (cited by OMIM).

NM_001002294.3(FMO3):c.769G>A (p.Val257Met)

Gene: FMO3 (flavin containing dimethylaniline monoxygenase 3; plus strand). Cytogenetic location: 1q24.3.
Variant type: single nucleotide variant.
Coding change: c.769G>A on transcript NM_001002294.3 (MANE Select); coding-DNA position 769, G replaced by A.
Protein change: p.Val257Met; replaces valine 257 with methionine.
Molecular consequence: missense variant.
Genome position (GRCh38, 1-based): chr1:171,110,939, G>A. VCF-style: chr1-171110939-G-A. GRCh37 (hg19) VCF-style: chr1-171080080-G-A.
Other names: c.709G>A, p.Val237Met (NM_001319173.2); c.580G>A, p.Val194Met (NM_001319174.2); c.769G>A, p.Val257Met (NM_006894.6); c.769G>A (NM_001002294.2); short protein forms V257M, V237M, V194M.
Identifiers: ClinVar variation 16305 (VCV000016305.13), dbSNP rs1736557, ClinGen allele CA257480.